The following is an entry in ClinVar:

NM_001164508.2(NEB):c.1675-2A>G

Gene: NEB (nebulin; minus strand). Cytogenetic location: 2q23.3.
Variant type: single nucleotide variant.
Coding change: c.1675-2A>G on transcript NM_001164508.2 (MANE Select); the canonical splice acceptor site of the intron before coding-DNA position 1675, A replaced by G.
Molecular consequence: splice acceptor variant.
Genome position (GRCh38, 1-based): chr2:151,694,631, T>C on the plus strand (A>G on the coding strand, the complement: NEB is on the minus strand). VCF-style: chr2-151694631-T-C. GRCh37 (hg19) VCF-style: chr2-152551145-T-C.
Other names: c.1675-2A>G (NM_004543.5, NM_001164507.2, NM_001271208.2).
Identifiers: ClinVar variation 2734288 (VCV002734288.3), dbSNP rs2552268662, ClinGen allele CA348824799.

ClinVar aggregate classification (germline): Likely pathogenic (1 of 4 stars; one submission).

Conditions:
Nemaline myopathy 2 (NEM2). Also called: Nemaline myopathy 2, autosomal recessive. Identifiers: MedGen C1850569, MONDO:0009725, OMIM 256030.

Submission:

Labcorp Genetics (formerly Invitae), Labcorp
Classification: Likely pathogenic for Nemaline myopathy 2. Last evaluated: 2023-02-20. Review status: criteria provided, single submitter. Criteria: Invitae Variant Classification Sherloc (09022015). Collection method: clinical testing. Allele origin: germline.
Comment: In summary, the currently available evidence indicates that the variant is pathogenic, but additional data are needed to prove that conclusively. Therefore, this variant has been classified as Likely Pathogenic. Algorithms developed to predict the effect of sequence changes on RNA splicing suggest that this variant may disrupt the consensus splice site. Disruption of this splice site has been observed in individual(s) with nemaline myopathy (PMID: 25205138). This variant is not present in population databases (gnomAD no frequency). This sequence change affects an acceptor splice site in intron 18 of the NEB gene. It is expected to disrupt RNA splicing. Variants that disrupt the donor or acceptor splice site typically lead to a loss of protein function (PMID: 16199547), and loss-of-function variants in NEB are known to be pathogenic (PMID: 25205138).

Literature cited by the submitters: PubMed 25205138; PubMed 16199547.